The following is an entry in ClinVar:

NM_152419.3(HGSNAT):c.220G>T (p.Glu74Ter)

Gene: HGSNAT (heparan-alpha-glucosaminide N-acetyltransferase; plus strand). Cytogenetic location: 8p11.21.
Variant type: single nucleotide variant.
Coding change: c.220G>T on transcript NM_152419.3 (MANE Select); coding-DNA position 220, G replaced by T.
Protein change: p.Glu74Ter; replaces glutamic acid 74 with a stop codon.
Molecular consequence: nonsense. On other transcripts: 5 prime UTR variant (1).
Genome position (GRCh38, 1-based): chr8:43,147,049, G>T. VCF-style: chr8-43147049-G-T. GRCh37 (hg19) VCF-style: chr8-43002192-G-T.
Other names: c.220G>T, p.Glu74Ter (NM_001363227.2, NM_001363228.2); c.-614G>T (NM_001363229.2); short protein forms E74*.
Identifiers: ClinVar variation 983600 (VCV000983600.3), dbSNP rs1802741140, ClinGen allele CA371124962.

ClinVar aggregate classification (germline): Likely pathogenic (1 of 4 stars; one submission).

Conditions:
Mucopolysaccharidosis, MPS-III-C (MPS3C). Also called: MPS IIIC (Sanfilippo Syndrome Type C); MUCOPOLYSACCHARIDOSIS, TYPE IIIC; Mucopolysaccharidosis type IIIC (Sanfilippo C); mucopolysaccharidosis type 3C; SANFILIPPO SYNDROME C; MPS III C. Identifiers: Orphanet 581, Orphanet 79271, MedGen C0086649, MONDO:0009657, OMIM 252930.

Submission:

Myriad Genetics, Inc.
Classification: Likely pathogenic for Mucopolysaccharidosis, MPS-III-C. Last evaluated: 2019-12-27. Review status: criteria provided, single submitter. Criteria: Myriad Women's Health Autosomal Recessive and X-Linked Classification Criteria (2019). Collection method: clinical testing. Allele origin: unknown.
Comment: NM_152419.2(HGSNAT):c.220G>T(E74*) is expected to be pathogenic in the context of mucopolysaccharidosis type IIIC. This variant is predicted to lead to an abnormal or absent protein product due to the creation of a premature termination codon in HGSNAT, a gene where loss-of-function variants are known to be pathogenic. Please note: this variant was assessed in the context of healthy population screening.